The following is an entry in ClinVar:

ClinVar aggregate classification (germline): Uncertain significance. Review status: criteria provided, multiple submitters, no conflicts (2 of 4 stars). 2 submissions from 2 submitters: Uncertain significance (2). Last evaluated 2025-06-19.

Conditions:
Primary ciliary dyskinesia. Also called: Ciliary dyskinesia. Identifiers: Orphanet 244, MedGen C0008780, MONDO:0016575, HP:0012265.

Allele frequency attached by ClinVar (database versions not stated): gnomAD exomes below 0.00001 and 0.00001; ExAC 0.00001; TOPMed 0.00001.
gnomAD v4.1: 6 of 1,613,854 alleles (0.00037%); highest among the groups gnomAD compares: Non-Finnish European, 0.00051%; no homozygotes.

Submissions (2):

Ambry Genetics
Classification: Uncertain significance. Last evaluated: 2025-06-19. Review status: criteria provided, single submitter. Criteria: Ambry Variant Classification Scheme 2023. Collection method: clinical testing. Allele origin: germline.

Labcorp Genetics (formerly Invitae), Labcorp
Classification: Uncertain significance for Primary ciliary dyskinesia. Last evaluated: 2018-06-20. Review status: criteria provided, single submitter. Criteria: Invitae Variant Classification Sherloc (09022015). Collection method: clinical testing. Allele origin: germline.
Comment: In summary, the available evidence is currently insufficient to determine the role of this variant in disease. Therefore, it has been classified as a Variant of Uncertain Significance. Algorithms developed to predict the effect of missense changes on protein structure and function are either unavailable or do not agree on the potential impact of this missense change (SIFT: "Deleterious"; PolyPhen-2: "Not Available"; Align-GVGD: "Class C65"). This variant has not been reported in the literature in individuals with DNAH8-related disease. This variant is present in population databases (rs759714537, ExAC 0.002%). This sequence change replaces isoleucine with threonine at codon 3455 of the DNAH8 protein (p.Ile3455Thr). The isoleucine residue is highly conserved and there is a moderate physicochemical difference between isoleucine and threonine.

NM_001206927.2(DNAH8):c.10364T>C (p.Ile3455Thr)

Genes: DNAH8 (dynein axonemal heavy chain 8; plus strand), DNAH8-AS1 (DNAH8 antisense RNA 1; minus strand). Cytogenetic location: 6p21.2.
Variant type: single nucleotide variant.
Coding change: c.10364T>C on transcript NM_001206927.2 (MANE Select); coding-DNA position 10364, T replaced by C.
Protein change: p.Ile3455Thr; replaces isoleucine 3455 with threonine.
Molecular consequence: missense variant.
Genome position (GRCh38, 1-based): chr6:38,917,980, T>C. VCF-style: chr6-38917980-T-C. GRCh37 (hg19) VCF-style: chr6-38885756-T-C.
Other names: c.9713T>C, p.Ile3238Thr (NM_001371.4); short protein forms I3455T, I3238T.
Identifiers: ClinVar variation 567642 (VCV000567642.10), dbSNP rs759714537, ClinGen allele CA3790707.